The following is an entry in ClinVar:

ClinVar aggregate classification (germline): Uncertain significance. Review status: criteria provided, multiple submitters, no conflicts (2 of 4 stars). 3 submissions from 3 submitters: Uncertain significance (3). Last evaluated 2024-11-01.

Allele frequency attached by ClinVar (database versions not stated): ExAC 0.00001; gnomAD 0.00001; gnomAD exomes 0.00001; TOPMed 0.00001.
gnomAD v4.1: 14 of 1,600,106 alleles (0.00087%); highest among the groups gnomAD compares: African/African-American, 0.0027%; no homozygotes.

Submissions (3):

CeGaT Center for Human Genetics Tuebingen
Classification: Uncertain significance. Last evaluated: 2024-11-01. Review status: criteria provided, single submitter. Criteria: CeGaT Center For Human Genetics Tuebingen Variant Classification Criteria Version 2. Collection method: clinical testing. Allele origin: germline. Affected: yes. Observed: 1 variant allele.
Comment: ADCY5: PM2

GeneDx
Classification: Uncertain significance. Last evaluated: 2024-04-19. Review status: criteria provided, single submitter. Criteria: GeneDx Variant Classification Process June 2021. Collection method: clinical testing. Allele origin: germline. Affected: yes.
Comment: In silico analysis indicates that this missense variant does not alter protein structure/function; Has not been previously published as pathogenic or benign to our knowledge

Labcorp Genetics (formerly Invitae), Labcorp
Classification: Uncertain significance. Last evaluated: 2023-05-22. Review status: criteria provided, single submitter. Criteria: Invitae Variant Classification Sherloc (09022015). Collection method: clinical testing. Allele origin: germline.
Comment: In summary, the available evidence is currently insufficient to determine the role of this variant in disease. Therefore, it has been classified as a Variant of Uncertain Significance. Advanced modeling of protein sequence and biophysical properties (such as structural, functional, and spatial information, amino acid conservation, physicochemical variation, residue mobility, and thermodynamic stability) has been performed at Invitae for this missense variant, however the output from this modeling did not meet the statistical confidence thresholds required to predict the impact of this variant on ADCY5 protein function. ClinVar contains an entry for this variant (Variation ID: 1463955). This missense change has been observed in individual(s) with clinical features of DCY5-related dyskinesia (Invitae). This variant is present in population databases (rs765074284, gnomAD 0.004%). This sequence change replaces valine, which is neutral and non-polar, with methionine, which is neutral and non-polar, at codon 273 of the ADCY5 protein (p.Val273Met).

NM_183357.3(ADCY5):c.817G>A (p.Val273Met)

Gene: ADCY5 (adenylate cyclase 5; minus strand). Cytogenetic location: 3q21.1.
Variant type: single nucleotide variant.
Coding change: c.817G>A on transcript NM_183357.3 (MANE Select); coding-DNA position 817, G replaced by A.
Protein change: p.Val273Met; replaces valine 273 with methionine.
Molecular consequence: missense variant.
Genome position (GRCh38, 1-based): chr3:123,447,729, C>T on the plus strand (G>A on the coding strand, the complement: ADCY5 is on the minus strand). VCF-style: chr3-123447729-C-T. GRCh37 (hg19) VCF-style: chr3-123166576-C-T.
Other names: c.817G>A, p.Val273Met (NM_001378259.1); c.817G>A (NM_183357.2); short protein forms V273M.
Identifiers: ClinVar variation 1463955 (VCV001463955.23), dbSNP rs765074284, ClinGen allele CA2577632.
Genomic context (GRCh38, chr3:123,447,729, plus strand): 5'-AGGCGGCGCGGTTGCAAAGCACAGCCATGATGAGGATCACGCCGACGGCGGCCGCCAGCA[C>T]GGCCAGGTAGGGCAGCTGGAGCGGGGGCCGCGCCGCGTGGAAGGCCAACATGACCAGGCA-3'
Protein context (NP_899200.1, residues 263-283): RPPLQLPYLA[Val273Met]LAAAVGVILI